The following is an entry in ClinVar:

ClinVar aggregate classification (germline): Likely benign. Review status: criteria provided, multiple submitters, no conflicts (2 of 4 stars). 4 submissions from 4 submitters: Likely benign (4). Last evaluated 2026-01-21.

Conditions:
Cardiovascular phenotype. Identifiers: MedGen CN230736.
Dilated cardiomyopathy 1DD (CMD1DD). Identifiers: Orphanet 154, MedGen C2750995, MONDO:0013168, OMIM 613172.

Allele frequency attached by ClinVar (database versions not stated): gnomAD 0.00001 and 0.00002; TOPMed 0.00001; gnomAD exomes 0.00005 and 0.00008; 1000 Genomes Project 0.00020; ESP Exome Variant Server 0.00022; ExAC 0.00025; 1000 Genomes Project 30x 0.00031.
gnomAD v4.1: 71 of 1,551,686 alleles (0.0046%); highest among the groups gnomAD compares: South Asian, 0.031%; no homozygotes.

Submissions (4):

Labcorp Genetics (formerly Invitae), Labcorp
Classification: Likely benign for Dilated cardiomyopathy 1DD. Last evaluated: 2026-01-21. Review status: criteria provided, single submitter. Criteria: Invitae Variant Classification Sherloc (09022015). Collection method: clinical testing. Allele origin: germline.

CeGaT Center for Human Genetics Tuebingen
Classification: Likely benign. Last evaluated: 2025-06-01. Review status: criteria provided, single submitter. Criteria: CeGaT Center For Human Genetics Tuebingen Variant Classification Criteria Version 2. Collection method: clinical testing. Allele origin: germline. Affected: yes. Observed: 1 variant allele.
Comment: RBM20: BP4, BP7

GeneDx
Classification: Likely benign. Last evaluated: 2019-08-06. Review status: criteria provided, single submitter. Criteria: GeneDx Variant Classification Process June 2021. Collection method: clinical testing. Allele origin: germline. Affected: yes.

Ambry Genetics
Classification: Likely benign for Cardiovascular phenotype. Last evaluated: 2017-05-25. Review status: criteria provided, single submitter. Criteria: Ambry Variant Classification Scheme 2023. Collection method: clinical testing. Allele origin: germline.

NM_001134363.3(RBM20):c.2172C>T (p.Asp724=)

Gene: RBM20 (RNA binding motif protein 20; plus strand). Cytogenetic location: 10q25.2.
Variant type: single nucleotide variant.
Coding change: c.2172C>T on transcript NM_001134363.3 (MANE Select); coding-DNA position 2172, C replaced by T.
Protein change: p.Asp724=; no amino-acid change (aspartic acid 724 retained).
Molecular consequence: synonymous variant.
Genome position (GRCh38, 1-based): chr10:110,812,569, C>T. VCF-style: chr10-110812569-C-T. GRCh37 (hg19) VCF-style: chr10-112572327-C-T.
Other names: c.2172C>T (LRG_382t1).
Identifiers: ClinVar variation 470596 (VCV000470596.39), dbSNP rs368933889, ClinGen allele CA5688672.